The following is an entry in ClinVar:

ClinVar aggregate classification (germline): Uncertain significance. Review status: criteria provided, multiple submitters, no conflicts (2 of 4 stars). 2 submissions from 2 submitters: Uncertain significance (2). Last evaluated 2025-02-20.

Conditions:
Hereditary cancer-predisposing syndrome. Also called: Hereditary Cancer Syndrome; Neoplastic Syndromes, Hereditary; Tumor predisposition; Hereditary neoplastic syndrome. Identifiers: Orphanet 140162, MedGen C0027672, MeSH D009386, MONDO:0015356.
Birt-Hogg-Dube syndrome. Also called: Birt Hogg Dubé syndrome. Identifiers: Orphanet 122, MedGen C0346010, MONDO:0800444.

Submissions (2):

Labcorp Genetics (formerly Invitae), Labcorp
Classification: Uncertain significance for Birt-Hogg-Dube syndrome. Last evaluated: 2025-02-20. Review status: criteria provided, single submitter. Criteria: Invitae Variant Classification Sherloc (09022015). Collection method: clinical testing. Allele origin: germline.
Comment: This sequence change replaces threonine, which is neutral and polar, with serine, which is neutral and polar, at codon 256 of the FLCN protein (p.Thr256Ser). This variant is not present in population databases (gnomAD no frequency). This variant has not been reported in the literature in individuals affected with FLCN-related conditions. ClinVar contains an entry for this variant (Variation ID: 230834). Invitae Evidence Modeling of protein sequence and biophysical properties (such as structural, functional, and spatial information, amino acid conservation, physicochemical variation, residue mobility, and thermodynamic stability) indicates that this missense variant is not expected to disrupt FLCN protein function with a negative predictive value of 80%. In summary, the available evidence is currently insufficient to determine the role of this variant in disease. Therefore, it has been classified as a Variant of Uncertain Significance.

Ambry Genetics
Classification: Uncertain significance for Hereditary cancer-predisposing syndrome. Last evaluated: 2023-03-15. Review status: criteria provided, single submitter. Criteria: Ambry Variant Classification Scheme 2023. Collection method: clinical testing. Allele origin: germline.
Comment: The p.T256S variant (also known as c.766A>T), located in coding exon 4 of the FLCN gene, results from an A to T substitution at nucleotide position 766. The threonine at codon 256 is replaced by serine, an amino acid with similar properties. This amino acid position is well conserved in available vertebrate species. In addition, this alteration is predicted to be tolerated by in silico analysis. Since supporting evidence is limited at this time, the clinical significance of this alteration remains unclear.

NM_144997.7(FLCN):c.766A>T (p.Thr256Ser)

Gene: FLCN (folliculin; minus strand). Cytogenetic location: 17p11.2.
Variant type: single nucleotide variant.
Coding change: c.766A>T on transcript NM_144997.7 (MANE Select); coding-DNA position 766, A replaced by T.
Protein change: p.Thr256Ser; replaces threonine 256 with serine.
Molecular consequence: missense variant.
Genome position (GRCh38, 1-based): chr17:17,222,514, T>A on the plus strand (A>T on the coding strand, the complement: FLCN is on the minus strand). VCF-style: chr17-17222514-T-A. GRCh37 (hg19) VCF-style: chr17-17125828-T-A.
Other names: c.820A>T, p.Thr274Ser (NM_001353229.2); c.766A>T, p.Thr256Ser (NM_001353230.2, NM_001353231.2, NM_144606.7); c.766A>T (LRG_325t1); short protein forms T256S, T274S.
Identifiers: ClinVar variation 230834 (VCV000230834.11), dbSNP rs876658799, ClinGen allele CA10580171.